The following is an entry in ClinVar:

NM_000419.5(ITGA2B):c.574+5G>A

Gene: ITGA2B (integrin subunit alpha 2b; minus strand). Cytogenetic location: 17q21.31.
Variant type: single nucleotide variant.
Coding change: c.574+5G>A on transcript NM_000419.5 (MANE Select); 5 bases into the intron after coding-DNA position 574, G replaced by A.
Molecular consequence: intron variant.
Genome position (GRCh38, 1-based): chr17:44,385,546, C>T on the plus strand (G>A on the coding strand, the complement: ITGA2B is on the minus strand). VCF-style: chr17-44385546-C-T. GRCh37 (hg19) VCF-style: chr17-42462914-C-T.
Other names: c.574+5G>A (LRG_479t1).
Identifiers: ClinVar variation 627098 (VCV000627098.3), dbSNP rs1598383011, ClinGen allele CA915940782.

ClinVar aggregate classification (germline): Uncertain significance. Review status: reviewed by expert panel (3 of 4 stars). 2 submissions from 2 submitters: Uncertain significance (1). 1 of the submissions does not count toward it. Last evaluated 2024-06-06.

Conditions:
Glanzmann thrombasthenia. Also called: BLEEDING DISORDER, PLATELET-TYPE, 2; THROMBASTHENIA OF GLANZMANN AND NAEGELI; Thrombasthenia; PLATELET GLYCOPROTEIN IIb-IIIa DEFICIENCY; Glanzmann's thrombasthenia. Identifiers: Orphanet 849, MedGen C0040015, MONDO:0100326.

Submissions (2):

ClinGen Platelet Disorders Variant Curation Expert Panel, ClinGen
Classification: Uncertain significance for Glanzmann thrombasthenia. Last evaluated: 2024-06-06. Review status: reviewed by expert panel. Criteria: ClinGen Platelet ACMG Specifications v2-1. Collection method: curation. Allele origin: germline. Inheritance: Autosomal recessive inheritance.
Comment: The c.574+5G>A variant in ITGA2B is an intronic variant in intron 4. This variant has been detected in the homozygous form in at least 1 proband in the ThromboGenetics cohort (TGP0375, PMID:31064749) Total points: 0.5 (PM3_Supporting). TGP0375 was not reported with supporting phenotypic information and did not meet criteria for PP4 (PMID:31064749).This variant is absent from gnomAD v4.1.0 (PM2_Supporting). The computational splicing predictor SpliceAI gives a score of 0.8 for donor loss, predicting that the variant disrupts the donor splice site of intron 4 (PP3). In summary, this variant meets the criteria to be classified as a variant of uncertain significance for autosomal recessive Glanzmann Thrombasthenia based on the ACMG/AMP criteria applied, as specified by the ClinGen PD VCEP: PM2_Supporting, PP3, PM3_supporting. (VCEP specifications version 2; date of approval 06/06/2024)

NIHR Bioresource Rare Diseases, University of Cambridge
Classification: Likely pathogenic for Glanzmann thrombasthenia 1. Last evaluated: 2019-02-01. Review status: criteria provided, single submitter. Criteria: ACMG Guidelines, 2015. Collection method: research. Allele origin: unknown. Affected: yes. Observed: 1 homozygote. Study: ThromboGenomics. Not counted in ClinVar's aggregate classification.

Literature cited by the submitters: PubMed 31064749 (cited by NIHR Bioresource Rare Diseases, University of Cambridge).